The following is an entry in ClinVar:

NM_005271.5(GLUD1):c.*972G>A

Gene: GLUD1 (glutamate dehydrogenase 1; minus strand). Cytogenetic location: 10q23.2.
Variant type: single nucleotide variant.
Coding change: c.*972G>A on transcript NM_005271.5 (MANE Select); 972 bases downstream of the stop codon, G replaced by A.
Molecular consequence: 3 prime UTR variant.
Genome position (GRCh38, 1-based): chr10:87,050,779, C>T on the plus strand (G>A on the coding strand, the complement: GLUD1 is on the minus strand). VCF-style: chr10-87050779-C-T. GRCh37 (hg19) VCF-style: chr10-88810536-C-T.
Other names: c.*972G>A (NM_001318900.1, NM_001318901.1, NM_001318902.1 and 3 more transcripts).
Identifiers: ClinVar variation 301380 (VCV000301380.5), dbSNP rs12980, ClinGen allele CA10636347.

ClinVar aggregate classification (germline): Likely benign (1 of 4 stars; one submission).

Conditions:
Hyperinsulinism-hyperammonemia syndrome (HHF6). Identifiers: Orphanet 35878, MedGen C1847555, MONDO:0011717, OMIM 606762.

Allele frequency attached by ClinVar (database versions not stated): 1000 Genomes Project 0.00280; 1000 Genomes Project 30x 0.00281; gnomAD 0.00307 and 0.00335; TOPMed 0.00348.

Submission:

Illumina Laboratory Services, Illumina
Classification: Likely benign for Hyperinsulinism-hyperammonemia syndrome. Last evaluated: 2018-01-13. Review status: criteria provided, single submitter. Criteria: ICSL Variant Classification Criteria 13 December 2019. Collection method: clinical testing. Allele origin: germline.
Comment: This variant was observed in the ICSL laboratory as part of a predisposition screen in an ostensibly healthy population. It had not been previously curated by ICSL or reported in the Human Gene Mutation Database (HGMD: prior to June 1st, 2018), and was therefore a candidate for classification through an automated scoring system. Utilizing variant allele frequency, disease prevalence and penetrance estimates, and inheritance mode, an automated score was calculated to assess if this variant is too frequent to cause the disease. Based on the score and internal cut-off values, a variant classified as likely benign is not then subjected to further curation. The score for this variant resulted in a classification of likely benign for this disease.